The following is an entry in ClinVar:

ClinVar aggregate classification (germline): Likely benign (1 of 4 stars; one submission).

gnomAD v4.1: 6 of 1,172,706 alleles (0.00051%); highest among the groups gnomAD compares: Non-Finnish European, 0.00069%; no homozygotes.

Submission:

CeGaT Center for Human Genetics Tuebingen
Classification: Likely benign. Last evaluated: 2026-04-01. Review status: criteria provided, single submitter. Criteria: CeGaT Center For Human Genetics Tuebingen Variant Classification Criteria Version 2. Collection method: clinical testing. Allele origin: germline. Affected: yes. Observed: 1 variant allele.
Comment: CACNA1F: BP4

NM_001256789.3(CACNA1F):c.1369+8T>A

Gene: CACNA1F (calcium voltage-gated channel subunit alpha1 F; minus strand). Cytogenetic location: Xp11.23.
Variant type: single nucleotide variant.
Coding change: c.1369+8T>A on transcript NM_001256789.3 (MANE Select); 8 bases into the intron after coding-DNA position 1369, T replaced by A.
Molecular consequence: intron variant.
Genome position (GRCh38, 1-based): chrX:49,226,602, A>T on the plus strand (T>A on the coding strand, the complement: CACNA1F is on the minus strand). VCF-style: chrX-49226602-A-T. GRCh37 (hg19) VCF-style: chrX-49083064-A-T.
Other names: c.1402+8T>A (NM_005183.4); c.1207+8T>A (NM_001256790.3).
Identifiers: ClinVar variation 4873927 (VCV004873927.2).
Genomic context (GRCh38, chrX:49,226,602, plus strand): 5'-CCCGAGGTCCAATCTTTGGCTTTCACCTCTGCCTACCCACCCCCACCCCAGCCTGGCTGG[A>T]CCCCCACCATGGCTGCTGGTGGAGTGTGTGGAGCGAGTAGAATGACTGAACCAGCGCAGA-3'